The following is an entry in ClinVar:

NM_001367624.2(ZNF469):c.9024C>G (p.Asp3008Glu)

Gene: ZNF469 (zinc finger protein 469; plus strand). Cytogenetic location: 16q24.2.
Variant type: single nucleotide variant.
Coding change: c.9024C>G on transcript NM_001367624.2 (MANE Select); coding-DNA position 9024, C replaced by G.
Protein change: p.Asp3008Glu; replaces aspartic acid 3008 with glutamic acid.
Molecular consequence: missense variant.
Genome position (GRCh38, 1-based): chr16:88,436,494, C>G. VCF-style: chr16-88436494-C-G. GRCh37 (hg19) VCF-style: chr16-88502902-C-G.
Other names: NM_001127464.1:c.8940C>G; short protein forms D3008E.
Identifiers: ClinVar variation 2561841 (VCV002561841.3), dbSNP rs886052415, ClinGen allele CA397120278.

ClinVar aggregate classification (germline): Conflicting classifications of pathogenicity. Review status: criteria provided, conflicting classifications (1 of 4 stars). 2 submissions from 2 submitters: Uncertain significance (1); Likely benign (1). Last evaluated 2025-09-08.

Conditions:
Cardiovascular phenotype. Identifiers: MedGen CN230736.

Allele frequency attached by ClinVar (database versions not stated): gnomAD 0.00002; TOPMed 0.00002.
gnomAD v4.1: 41 of 1,548,084 alleles (0.0026%); highest among the groups gnomAD compares: Non-Finnish European, 0.0035%; no homozygotes.

Submissions (2):

Labcorp Genetics (formerly Invitae), Labcorp
Classification: Uncertain significance. Last evaluated: 2025-09-08. Review status: criteria provided, single submitter. Criteria: Invitae Variant Classification Sherloc (09022015). Collection method: clinical testing. Allele origin: germline.
Comment: This sequence change replaces aspartic acid, which is acidic and polar, with glutamic acid, which is acidic and polar, at codon 2980 of the ZNF469 protein (p.Asp2980Glu). This variant is present in population databases (no rsID available, gnomAD 0.007%). This variant has not been reported in the literature in individuals affected with ZNF469-related conditions. ClinVar contains an entry for this variant (Variation ID: 2561841). An algorithm developed to predict the effect of missense changes on protein structure and function outputs the following: PolyPhen-2: "Benign". The glutamic acid amino acid residue is found in multiple mammalian species, which suggests that this missense change does not adversely affect protein function. In summary, the available evidence is currently insufficient to determine the role of this variant in disease. Therefore, it has been classified as a Variant of Uncertain Significance.

Ambry Genetics
Classification: Likely benign for Cardiovascular phenotype. Last evaluated: 2023-05-21. Review status: criteria provided, single submitter. Criteria: Ambry Variant Classification Scheme 2023. Collection method: clinical testing. Allele origin: germline.